The following is an entry in ClinVar:

ClinVar aggregate classification (germline): Uncertain significance (1 of 4 stars; one submission).

Submission:

Labcorp Genetics (formerly Invitae), Labcorp
Classification: Uncertain significance. Last evaluated: 2022-07-19. Review status: criteria provided, single submitter. Criteria: Invitae Variant Classification Sherloc (09022015). Collection method: clinical testing. Allele origin: germline.
Comment: In summary, the available evidence is currently insufficient to determine the role of this variant in disease. Therefore, it has been classified as a Variant of Uncertain Significance. This sequence change replaces glycine, which is neutral and non-polar, with arginine, which is basic and polar, at codon 592 of the CTNNB1 protein (p.Gly592Arg). This variant is not present in population databases (gnomAD no frequency). This variant has not been reported in the literature in individuals affected with CTNNB1-related conditions. Algorithms developed to predict the effect of missense changes on protein structure and function (SIFT, PolyPhen-2, Align-GVGD) all suggest that this variant is likely to be tolerated.

NM_001904.4(CTNNB1):c.1774G>A (p.Gly592Arg)

Gene: CTNNB1 (catenin beta 1; plus strand). Cytogenetic location: 3p22.1.
Variant type: single nucleotide variant.
Coding change: c.1774G>A on transcript NM_001904.4 (MANE Select); coding-DNA position 1774, G replaced by A.
Protein change: p.Gly592Arg; replaces glycine 592 with arginine.
Molecular consequence: missense variant.
Genome position (GRCh38, 1-based): chr3:41,235,814, G>A. VCF-style: chr3-41235814-G-A. GRCh37 (hg19) VCF-style: chr3-41277305-G-A.
Other names: c.1774G>A, p.Gly592Arg (NM_001098209.2, NM_001098210.2); c.1753G>A, p.Gly585Arg (NM_001330729.2); short protein forms G585R, G592R.
Identifiers: ClinVar variation 1718734 (VCV001718734.5), dbSNP rs2125644975, ClinGen allele CA352235784.